The following is an entry in ClinVar:

NM_003072.5(SMARCA4):c.2883C>T (p.Thr961=)

Gene: SMARCA4 (SWI/SNF related BAF chromatin remodeling complex subunit ATPase 4; plus strand). Cytogenetic location: 19p13.2.
Variant type: single nucleotide variant.
Coding change: c.2883C>T on transcript NM_003072.5 (MANE Select); coding-DNA position 2883, C replaced by T.
Protein change: p.Thr961=; no amino-acid change (threonine 961 retained).
Molecular consequence: synonymous variant. On other transcripts: non-coding transcript variant (1).
Genome position (GRCh38, 1-based): chr19:11,023,541, C>T. VCF-style: chr19-11023541-C-T. GRCh37 (hg19) VCF-style: chr19-11134217-C-T.
Other names: c.2883C>T, p.Thr961= (NM_001128844.3, NM_001128845.2, NM_001128846.2 and 5 more transcripts).
Identifiers: ClinVar variation 238419 (VCV000238419.21), dbSNP rs750609318, ClinGen allele CA9204256.

ClinVar aggregate classification (germline): Benign/Likely benign. Review status: criteria provided, multiple submitters, no conflicts (2 of 4 stars). 6 submissions from 6 submitters: Benign (2); Likely benign (3). 1 of the submissions does not count toward it. Last evaluated 2026-07-14.

Conditions:
SMARCA4-related disorder. Also called: SMARCA4-related condition.
Hereditary cancer-predisposing syndrome. Also called: Hereditary Cancer Syndrome; Tumor predisposition; Hereditary neoplastic syndrome; Neoplastic Syndromes, Hereditary. Identifiers: Orphanet 140162, MedGen C0027672, MeSH D009386, MONDO:0015356.
Rhabdoid tumor predisposition syndrome 2 (RTPS2). Identifiers: Orphanet 231108, Orphanet 69077, MedGen C2750074, MONDO:0013224, OMIM 613325.

Allele frequency attached by ClinVar (database versions not stated): gnomAD exomes 0.00002 and 0.00007; ExAC 0.00007; TOPMed 0.00002.
gnomAD v4.1: 24 of 1,612,556 alleles (0.0015%); highest among the groups gnomAD compares: Admixed American, 0.02%; no homozygotes.

Submissions (6):

Myriad Genetics, Inc.
Classification: Benign for Rhabdoid tumor predisposition syndrome 2. Last evaluated: 2026-07-14. Review status: criteria provided, single submitter. Criteria: Myriad Autosomal Dominant, Autosomal Recessive and X-Linked Classification Criteria (2023). Collection method: clinical testing. Allele origin: unknown.
Comment: This variant is considered benign. This variant is a silent/synonymous amino acid change and it is not expected to impact splicing.

Labcorp Genetics (formerly Invitae), Labcorp
Classification: Likely benign for Rhabdoid tumor predisposition syndrome 2. Last evaluated: 2026-01-06. Review status: criteria provided, single submitter. Criteria: Invitae Variant Classification Sherloc (09022015). Collection method: clinical testing. Allele origin: germline.

Quest Diagnostics Nichols Institute San Juan Capistrano
Classification: Benign. Last evaluated: 2022-10-24. Review status: criteria provided, single submitter. Criteria: Quest Diagnostics criteria. Collection method: clinical testing. Allele origin: unknown.

Sema4
Classification: Likely benign for Hereditary cancer-predisposing syndrome. Last evaluated: 2020-11-11. Review status: criteria provided, single submitter. Criteria: Sema4 Curation Guidelines. Collection method: curation. Allele origin: germline.

Ambry Genetics
Classification: Likely benign for Hereditary cancer-predisposing syndrome. Last evaluated: 2016-01-29. Review status: criteria provided, single submitter. Criteria: Ambry Variant Classification Scheme 2023. Collection method: clinical testing. Allele origin: germline.

PreventionGenetics, part of Exact Sciences
Classification: Likely benign for SMARCA4-related condition. Last evaluated: 2024-02-19. Review status: no assertion criteria provided. Collection method: clinical testing. Allele origin: germline. Not counted in ClinVar's aggregate classification.
Comment: This variant is classified as likely benign based on ACMG/AMP sequence variant interpretation guidelines (Richards et al. 2015 PMID: 25741868, with internal and published modifications).